The following is an entry in ClinVar:

NM_002857.4(PEX19):c.854T>C (p.Leu285Pro)

Gene: PEX19 (peroxisomal biogenesis factor 19; minus strand). Cytogenetic location: 1q23.2.
Variant type: single nucleotide variant.
Coding change: c.854T>C on transcript NM_002857.4 (MANE Select); coding-DNA position 854, T replaced by C.
Protein change: p.Leu285Pro; replaces leucine 285 with proline.
Molecular consequence: missense variant. On other transcripts: non-coding transcript variant (2), intron variant (1).
Genome position (GRCh38, 1-based): chr1:160,279,597, A>G on the plus strand (T>C on the coding strand, the complement: PEX19 is on the minus strand). VCF-style: chr1-160279597-A-G. GRCh37 (hg19) VCF-style: chr1-160249387-A-G.
Other names: c.817-15T>C (NM_001193644.1); short protein forms L285P.
Identifiers: ClinVar variation 2112498 (VCV002112498.4), dbSNP rs2525302549, ClinGen allele CA343255532.

ClinVar aggregate classification (germline): Uncertain significance (1 of 4 stars; one submission).

Conditions:
Peroxisome biogenesis disorder 12A (Zellweger). Also called: Peroxisome biogenesis disorder 12A. Identifiers: Orphanet 912, MedGen C3554002, MONDO:0013951, OMIM 614886.

Submission:

Labcorp Genetics (formerly Invitae), Labcorp
Classification: Uncertain significance for Peroxisome biogenesis disorder 12A (Zellweger). Last evaluated: 2022-10-13. Review status: criteria provided, single submitter. Criteria: Invitae Variant Classification Sherloc (09022015). Collection method: clinical testing. Allele origin: germline.
Comment: In summary, the available evidence is currently insufficient to determine the role of this variant in disease. Therefore, it has been classified as a Variant of Uncertain Significance. Algorithms developed to predict the effect of missense changes on protein structure and function are either unavailable or do not agree on the potential impact of this missense change (SIFT: "Deleterious"; PolyPhen-2: "Benign"; Align-GVGD: "Class C0"). This variant has not been reported in the literature in individuals affected with PEX19-related conditions. This variant is not present in population databases (gnomAD no frequency). This sequence change replaces leucine, which is neutral and non-polar, with proline, which is neutral and non-polar, at codon 285 of the PEX19 protein (p.Leu285Pro).